The following is an entry in ClinVar:

NM_024675.4(PALB2):c.793A>T (p.Ile265Phe)

Gene: PALB2 (partner and localizer of BRCA2; minus strand). Cytogenetic location: 16p12.2.
Variant type: single nucleotide variant.
Coding change: c.793A>T on transcript NM_024675.4 (MANE Select); coding-DNA position 793, A replaced by T.
Protein change: p.Ile265Phe; replaces isoleucine 265 with phenylalanine.
Molecular consequence: missense variant. On other transcripts: 5 prime UTR variant (8), intron variant (3).
Genome position (GRCh38, 1-based): chr16:23,635,753, T>A on the plus strand (A>T on the coding strand, the complement: PALB2 is on the minus strand). VCF-style: chr16-23635753-T-A. GRCh37 (hg19) VCF-style: chr16-23647074-T-A.
Other names: c.733A>T, p.Ile245Phe (NM_001407296.1); c.793A>T, p.Ile265Phe (NM_001407297.1, NM_001407298.1, NM_001407299.1 and 3 more transcripts); c.-93A>T (NM_001407304.1, NM_001407305.1, NM_001407306.1 and 5 more transcripts); c.48+5357A>T (NM_001407314.1); c.-104-5284A>T (NM_001407313.1, NM_001407312.1); short protein forms I245F, I265F.
Identifiers: ClinVar variation 3927444 (VCV003927444.1).

ClinVar aggregate classification (germline): Uncertain significance (1 of 4 stars; one submission).

Conditions:
Hereditary cancer-predisposing syndrome. Also called: Hereditary Cancer Syndrome; Hereditary neoplastic syndrome; Neoplastic Syndromes, Hereditary; Tumor predisposition. Identifiers: Orphanet 140162, MedGen C0027672, MeSH D009386, MONDO:0015356.

Submission:

Ambry Genetics
Classification: Uncertain significance for Hereditary cancer-predisposing syndrome. Last evaluated: 2025-05-10. Review status: criteria provided, single submitter. Criteria: Ambry Variant Classification Scheme 2023. Collection method: clinical testing. Allele origin: germline.
Comment: The p.I265F variant (also known as c.793A>T), located in coding exon 4 of the PALB2 gene, results from an A to T substitution at nucleotide position 793. The isoleucine at codon 265 is replaced by phenylalanine, an amino acid with highly similar properties. This amino acid position is conserved. In addition, this alteration is predicted to be tolerated by in silico analysis. Based on the available evidence, the clinical significance of this variant remains unclear.